The following is an entry in ClinVar:

ClinVar aggregate classification (germline): Likely benign (1 of 4 stars; one submission).

Submission:

CeGaT Center for Human Genetics Tuebingen
Classification: Likely benign. Last evaluated: 2026-05-01. Review status: criteria provided, single submitter. Criteria: CeGaT Center For Human Genetics Tuebingen Variant Classification Criteria Version 2. Collection method: clinical testing. Allele origin: germline. Affected: yes. Observed: 3 variant alleles.
Comment: CD163L1: PM2:Supporting, BP4, BP7

NM_174941.6(CD163L1):c.3273T>C (p.Phe1091=)

Gene: CD163L1 (CD163 molecule like 1; minus strand). Cytogenetic location: 12p13.31.
Variant type: single nucleotide variant.
Coding change: c.3273T>C on transcript NM_174941.6 (MANE Select); coding-DNA position 3273, T replaced by C.
Protein change: p.Phe1091=; no amino-acid change (phenylalanine 1091 retained).
Molecular consequence: synonymous variant.
Genome position (GRCh38, 1-based): chr12:7,374,578, A>G on the plus strand (T>C on the coding strand, the complement: CD163L1 is on the minus strand). VCF-style: chr12-7374578-A-G. GRCh37 (hg19) VCF-style: chr12-7527174-A-G.
Other names: c.3303T>C, p.Phe1101= (NM_001297650.2).
Identifiers: ClinVar variation 2642676 (VCV002642676.24), dbSNP rs2540506977, ClinGen allele CA478524109.